The following is an entry in ClinVar:

NM_001364905.1(LRBA):c.2767-2A>G

Gene: LRBA (LPS responsive beige-like anchor protein; minus strand). Cytogenetic location: 4q31.3.
Variant type: single nucleotide variant.
Coding change: c.2767-2A>G on transcript NM_001364905.1 (MANE Select); the canonical splice acceptor site of the intron before coding-DNA position 2767, A replaced by G.
Molecular consequence: splice acceptor variant.
Genome position (GRCh38, 1-based): chr4:150,852,945, T>C on the plus strand (A>G on the coding strand, the complement: LRBA is on the minus strand). VCF-style: chr4-150852945-T-C. GRCh37 (hg19) VCF-style: chr4-151774097-T-C.
Other names: c.2767-2A>G (NM_001367550.1, NM_006726.5, NM_001199282.3 and 2 more transcripts).
Identifiers: ClinVar variation 1687436 (VCV001687436.4), dbSNP rs1350061017, ClinGen allele CA358460748.

ClinVar aggregate classification (germline): Likely pathogenic. Review status: criteria provided, multiple submitters, no conflicts (2 of 4 stars). 2 submissions from 2 submitters: Likely pathogenic (2). Last evaluated 2023-10-30.

Conditions:
Combined immunodeficiency due to LRBA deficiency. Also called: Common variable immunodeficiency 8, with autoimmunity. Identifiers: Orphanet 445018, MedGen C3553512, MONDO:0013863, OMIM 614700.

Submissions (2):

Labcorp Genetics (formerly Invitae), Labcorp
Classification: Likely pathogenic for Combined immunodeficiency due to LRBA deficiency. Last evaluated: 2023-10-30. Review status: criteria provided, single submitter. Criteria: Invitae Variant Classification Sherloc (09022015). Collection method: clinical testing. Allele origin: germline.
Comment: This sequence change affects an acceptor splice site in intron 22 of the LRBA gene. It is expected to disrupt RNA splicing. Variants that disrupt the donor or acceptor splice site typically lead to a loss of protein function (PMID: 16199547), and loss-of-function variants in LRBA are known to be pathogenic (PMID: 26206937, 26768763). This variant is not present in population databases (gnomAD no frequency). This variant has not been reported in the literature in individuals affected with LRBA-related conditions. ClinVar contains an entry for this variant (Variation ID: 1687436). Algorithms developed to predict the effect of sequence changes on RNA splicing suggest that this variant may disrupt the consensus splice site. In summary, the currently available evidence indicates that the variant is pathogenic, but additional data are needed to prove that conclusively. Therefore, this variant has been classified as Likely Pathogenic.

3billion
Classification: Likely pathogenic for Combined immunodeficiency due to LRBA deficiency. Last evaluated: 2022-05-22. Review status: criteria provided, single submitter. Criteria: ACMG Guidelines, 2015. Collection method: clinical testing. Allele origin: germline. Affected: yes. Observed: 1 heterozygote.
Comment: The variant is not observed in the gnomAD v2.1.1 dataset. Canonical splice site: predicted to alter splicing and result in a loss or disruption of normal protein function through nonsense-mediated decay (NMD) or protein truncation. Multiple pathogenic variants are reported downstream of the variant. Therefore, this variant is classified as likely pathogenic according to the recommendation of ACMG/AMP guideline.

Literature cited by the submitters: PubMed 16199547 (cited by Labcorp Genetics (formerly Invitae), Labcorp); PubMed 26206937 (cited by Labcorp Genetics (formerly Invitae), Labcorp); PubMed 26768763 (cited by Labcorp Genetics (formerly Invitae), Labcorp).